The following is an entry in ClinVar:

ClinVar aggregate classification (germline): Pathogenic. Review status: criteria provided, multiple submitters, no conflicts (2 of 4 stars). 12 submissions from 12 submitters: Pathogenic (10). 2 of the submissions do not count toward it. Last evaluated 2026-09-30.

Conditions:
CNGA3-related disorders.
CNGA3-related disorder. Also called: CNGA3-related condition.
Retinal dystrophy. Also called: Inherited retinal dystrophy. Identifiers: Orphanet 71862, MedGen C0854723, MeSH D058499, MONDO:0019118, HP:0000556.
Achromatopsia. Also called: Rod monochromatism. Identifiers: Orphanet 49382, MedGen C0152200, MONDO:0018852, HP:0011516.
Achromatopsia 2 (ACHM2). Also called: COLORBLINDNESS, TOTAL; ROD MONOCHROMACY 2; ROD MONOCHROMATISM 2. Identifiers: Orphanet 49382, MedGen C1857618, MONDO:0009003, OMIM 216900.

Allele frequency attached by ClinVar (database versions not stated): gnomAD exomes 0.00006; ExAC 0.00007; gnomAD 0.00009 and 0.00010; TOPMed 0.00009; 1000 Genomes Project 30x 0.00016; 1000 Genomes Project 0.00020.
gnomAD v4.1: 100 of 1,614,160 alleles (0.0062%); highest among the groups gnomAD compares: African/African-American, 0.019%; no homozygotes.

Submissions (12):

Department of Molecular Genetics, Istishari Arab Hospital
Classification: Pathogenic for Achromatopsia 2. Last evaluated: 2026-09-30. Review status: criteria provided, single submitter. Criteria: ACMG Guidelines, 2015. Collection method: clinical testing. Allele origin: germline. Inheritance: Autosomal recessive inheritance. Affected: yes.
Comment: The CNGA3 variant c.848G>A results in substitution of arginine by glutamine at position 283 in exon 8 (of 8). It is reported in gnomAD with an allele frequency of 0.00006195, with no homozygous individuals observed. This variant was previously reported in individuals with autosomal recessive Achromatopsia 2 (PMID: 11536077‚ 17693388‚ 18445228‚ 20238023‚ 24148654‚ 25637600‚ 9662398). It is classified as pathogenic based on the implementation of the ACMG/AMP/ClinGen SVI guidelines.

PreventionGenetics, part of Exact Sciences
Classification: Pathogenic for CNGA3-related condition. Last evaluated: 2026-07-07. Review status: criteria provided, single submitter. Criteria: ACMG Guidelines, 2015. Collection method: clinical testing. Allele origin: germline.
Comment: The CNGA3 c.848G>A variant is predicted to result in the amino acid substitution p.Arg283Gln. This variant has been reported in the compound heterozygous and homozygous states in multiple patients with achromatopsia (see for example Kohl et al. 1998. PubMed ID: 9662398; Zelinger et al. 2015. PubMed ID: 25616768). This variant has been classified as pathogenic by multiple independent submitters to the ClinVar database (Variation ID: 9475). This variant is reported in 0.012% of alleles in individuals of African descent in gnomAD. This variant is interpreted as pathogenic.

Labcorp Genetics (formerly Invitae), Labcorp
Classification: Pathogenic. Last evaluated: 2026-01-26. Review status: criteria provided, single submitter. Criteria: Invitae Variant Classification Sherloc (09022015). Collection method: clinical testing. Allele origin: germline.
Comment: This sequence change replaces arginine, which is basic and polar, with glutamine, which is neutral and polar, at codon 283 of the CNGA3 protein (p.Arg283Gln). This variant is present in population databases (rs104893614, gnomAD 0.01%). This missense change has been observed in individuals with achromatopsia (PMID: 9662398, 18445228, 24148654). ClinVar contains an entry for this variant (Variation ID: 9475). Invitae Evidence Modeling of protein sequence and biophysical properties (such as structural, functional, and spatial information, amino acid conservation, physicochemical variation, residue mobility, and thermodynamic stability) indicates that this missense variant is expected to disrupt CNGA3 protein function with a positive predictive value of 95%. Experimental studies have shown that this missense change affects CNGA3 function (PMID: 17693388). This variant disrupts the p.Arg283 amino acid residue in CNGA3. Other variant(s) that disrupt this residue have been determined to be pathogenic (PMID: 9662398, 11536077, 17693388, 20238023, 25637600). This suggests that this residue is clinically significant, and that variants that disrupt this residue are likely to be disease-causing. For these reasons, this variant has been classified as Pathogenic.

Blueprint Genetics
Classification: Pathogenic for CNGA3-related disorders. Last evaluated: 2024-08-15. Review status: criteria provided, single submitter. Criteria: ACMG Guidelines, 2015. Collection method: clinical testing. Allele origin: germline. Affected: yes. Observed: 5 variant alleles.

Fulgent Genetics
Classification: Pathogenic for Achromatopsia 2. Last evaluated: 2024-06-06. Review status: criteria provided, single submitter. Criteria: ACMG Guidelines, 2015. Collection method: clinical testing. Allele origin: germline.

Women's Health and Genetics/Laboratory Corporation of America, LabCorp
Classification: Pathogenic for Achromatopsia 2. Last evaluated: 2024-06-03. Review status: criteria provided, single submitter. Criteria: LabCorp Variant Classification Summary - May 2015. Collection method: clinical testing. Allele origin: germline.
Comment: Variant summary: CNGA3 c.848G>A (p.Arg283Gln) results in a conservative amino acid change located in the Ion transport domain (IPR005821) of the encoded protein sequence. Four of five in-silico tools predict a damaging effect of the variant on protein function. The variant allele was found at a frequency of 6.4e-05 in 251352 control chromosomes (gnomAD). This frequency is not significantly higher than estimated for a pathogenic variant in CNGA3 causing Achromatopsia 2, allowing no conclusion about variant significance. c.848G>A has been reported in the literature in multiple compound heterozygous and homozygous individuals affected with Achromatopsia 2 (e.g. Reuter_2008, Weisschuh_2020). These data indicate that the variant is very likely to be associated with disease. Publication also reported experimental evidence evaluating an impact on protein function, and demonstrated detrimental effect for the variant (e.g. Reuter_2008, Muraki-Oda_2007). The following publications have been ascertained in the context of this evaluation (PMID: 18521937, 32531858, 17693388). ClinVar contains an entry for this variant (Variation ID: 9475). Based on the evidence outlined above, the variant was classified as pathogenic.

GeneDx
Classification: Pathogenic. Last evaluated: 2022-12-27. Review status: criteria provided, single submitter. Criteria: GeneDx Variant Classification Process June 2021. Collection method: clinical testing. Allele origin: germline. Affected: yes.
Comment: Published functional studies demonstrate a damaging effect (Muraki-Oda et al., 2007; Reuter et al., 2008); In silico analysis supports that this missense variant has a deleterious effect on protein structure/function; This variant is associated with the following publications: (PMID: 21912902, 18445228, 25616768, 11536077, 23362848, 21778272, 31144483, 30682209, 31456290, 17693388, 9662398, 24148654, 32531858, 18521937)

CeGaT Center for Human Genetics Tuebingen
Classification: Pathogenic. Last evaluated: 2021-11-01. Review status: criteria provided, single submitter. Criteria: CeGaT Center For Human Genetics Tuebingen Variant Classification Criteria Version 2. Collection method: clinical testing. Allele origin: germline. Affected: yes. Observed: 1 variant allele.

Illumina Laboratory Services, Illumina
Classification: Pathogenic for Achromatopsia 2. Last evaluated: 2018-11-07. Review status: criteria provided, single submitter. Criteria: ICSL Variant Classification Criteria 09 May 2019. Collection method: clinical testing. Allele origin: germline.
Comment: Across a selection of the available literature, the CNGA3 c.848G>A (p.Arg283Gln) variant has been reported in at least four studies and is found in twelve affected individuals including eleven in a compound heterozygous state and one in a heterozygous state with an undetected second allele (Wissinger et al. 2001; Reuter et al. 2008; Genead et al. 2011; Sundaram et al. 2014). Control data are unavailable for this variant, which is reported at a frequency of 0.000063 in the European (non-Finnish) population of the Genome Aggregation Database. Analysis in HEK293 cells found the p.Arg282Gln was associated with deficient trafficking and co-localization with plasma membranes (Reuter et al. 2008). Based on the evidence, the p.Arg283Gln variant is classified as pathogenic for achromatopsia. This variant was observed by ICSL as part of a predisposition screen in an ostensibly healthy population.

Institute of Human Genetics, Univ. Regensburg, Univ. Regensburg
Classification: Pathogenic for Retinal dystrophy. Last evaluated: 2009-01-01. Review status: criteria provided, single submitter. Criteria: ACMG Guidelines, 2015. Collection method: clinical testing. Allele origin: germline. Affected: yes.

Sharon lab, Hadassah-Hebrew University Medical Center
Classification: Likely pathogenic for achromatopsia. Last evaluated: 2019-06-23. Review status: no assertion criteria provided. Collection method: research. Allele origin: inherited. Affected: yes. Not counted in ClinVar's aggregate classification.

OMIM
Classification: Pathogenic for ACHROMATOPSIA 2. Last evaluated: 1998-07-01. Review status: no assertion criteria provided. Collection method: literature only. Allele origin: germline. Not counted in ClinVar's aggregate classification.

Literature cited by the submitters: PubMed 11536077 (cited by 3 submitters); PubMed 17693388 (cited by 4 submitters); PubMed 18445228 (cited by Department of Molecular Genetics, Istishari Arab Hospital and Labcorp Genetics (formerly Invitae), Labcorp); PubMed 20238023 (cited by Department of Molecular Genetics, Istishari Arab Hospital and Labcorp Genetics (formerly Invitae), Labcorp); PubMed 24148654 (cited by 3 submitters); PubMed 25637600 (cited by Department of Molecular Genetics, Istishari Arab Hospital and Labcorp Genetics (formerly Invitae), Labcorp); PubMed 9662398 (cited by 4 submitters); PubMed 32531858 (cited by Women's Health and Genetics/Laboratory Corporation of America, LabCorp and Institute of Human Genetics, Univ. Regensburg, Univ. Regensburg); PubMed 18521937 (cited by Women's Health and Genetics/Laboratory Corporation of America, LabCorp and Illumina Laboratory Services, Illumina); PubMed 21778272 (cited by Illumina Laboratory Services, Illumina); PubMed 25616768 (cited by Institute of Human Genetics, Univ. Regensburg, Univ. Regensburg); PubMed 30682209 (cited by Institute of Human Genetics, Univ. Regensburg, Univ. Regensburg); PubMed 31144483 (cited by Institute of Human Genetics, Univ. Regensburg, Univ. Regensburg); PubMed 31964843 (cited by Institute of Human Genetics, Univ. Regensburg, Univ. Regensburg); PubMed 31456290 (cited by Institute of Human Genetics, Univ. Regensburg, Univ. Regensburg); PubMed 35260635 (cited by Institute of Human Genetics, Univ. Regensburg, Univ. Regensburg); PubMed 36833446 (cited by Institute of Human Genetics, Univ. Regensburg, Univ. Regensburg).

NM_001298.3(CNGA3):c.848G>A (p.Arg283Gln)

Gene: CNGA3 (cyclic nucleotide gated channel subunit alpha 3; plus strand). Cytogenetic location: 2q11.2.
Variant type: single nucleotide variant.
Coding change: c.848G>A on transcript NM_001298.3 (MANE Select); coding-DNA position 848, G replaced by A.
Protein change: p.Arg283Gln; replaces arginine 283 with glutamine.
Molecular consequence: missense variant.
Genome position (GRCh38, 1-based): chr2:98,396,018, G>A. VCF-style: chr2-98396018-G-A. GRCh37 (hg19) VCF-style: chr2-99012481-G-A.
Other names: c.794G>A, p.Arg265Gln (NM_001079878.2); short protein forms R283Q, R265Q.
Identifiers: ClinVar variation 9475 (VCV000009475.55), dbSNP rs104893614, ClinGen allele CA254821.